The following is an entry in ClinVar:

NM_144772.3(NAXE):c.590G>A (p.Arg197Gln)

Gene: NAXE (NAD(P)HX epimerase; plus strand). Cytogenetic location: 1q22.
Variant type: single nucleotide variant.
Coding change: c.590G>A on transcript NM_144772.3 (MANE Select); coding-DNA position 590, G replaced by A.
Protein change: p.Arg197Gln; replaces arginine 197 with glutamine.
Molecular consequence: missense variant.
Genome position (GRCh38, 1-based): chr1:156,593,481, G>A. VCF-style: chr1-156593481-G-A. GRCh37 (hg19) VCF-style: chr1-156563273-G-A.
Other names: short protein forms R197Q.
Identifiers: ClinVar variation 1400052 (VCV001400052.5), dbSNP rs564275815, ClinGen allele CA1162837.
Genomic context (GRCh38, chr1:156,593,481, plus strand): 5'-ATGAACTGTATGAGCTGGTGGTGGATGCCATCTTTGGCTTCAGCTTCAAGGGCGATGTTC[G>A]GGAACCGTTCCACAGCATCCTGAGTGTCCTGAAGGGACTCACTGTGCCCATTGCCAGCAT-3'
Protein context (NP_658985.2, residues 187-207): IFGFSFKGDV[Arg197Gln]EPFHSILSVL

ClinVar aggregate classification (germline): Uncertain significance. Review status: criteria provided, multiple submitters, no conflicts (2 of 4 stars). 2 submissions from 2 submitters: Uncertain significance (2). Last evaluated 2024-12-02.

Allele frequency attached by ClinVar (database versions not stated): gnomAD 0.00004 and 0.00005; gnomAD exomes 0.00006 and 0.00021; TOPMed 0.00006; 1000 Genomes Project 30x 0.00016; 1000 Genomes Project 0.00020; ExAC 0.00021.
gnomAD v4.1: 90 of 1,614,172 alleles (0.0056%); highest among the groups gnomAD compares: Admixed American, 0.088%; no homozygotes.

Submissions (2):

Labcorp Genetics (formerly Invitae), Labcorp
Classification: Uncertain significance. Last evaluated: 2024-12-02. Review status: criteria provided, single submitter. Criteria: Invitae Variant Classification Sherloc (09022015). Collection method: clinical testing. Allele origin: germline.
Comment: This sequence change replaces arginine, which is basic and polar, with glutamine, which is neutral and polar, at codon 197 of the NAXE protein (p.Arg197Gln). This variant is present in population databases (rs564275815, gnomAD 0.1%). This variant has not been reported in the literature in individuals affected with NAXE-related conditions. ClinVar contains an entry for this variant (Variation ID: 1400052). Invitae Evidence Modeling of protein sequence and biophysical properties (such as structural, functional, and spatial information, amino acid conservation, physicochemical variation, residue mobility, and thermodynamic stability) indicates that this missense variant is expected to disrupt NAXE protein function with a positive predictive value of 80%. In summary, the available evidence is currently insufficient to determine the role of this variant in disease. Therefore, it has been classified as a Variant of Uncertain Significance.

Breakthrough Genomics
Classification: Uncertain significance. Review status: criteria provided, single submitter. Criteria: ACMG Guidelines, 2015. Collection method: not provided. Allele origin: germline. Inheritance: Autosomal recessive inheritance. Affected: yes.